The following is an entry in ClinVar:

ClinVar aggregate classification (germline): Uncertain significance (1 of 4 stars; one submission).

Conditions:
Amelocerebrohypohidrotic syndrome (KTZS). Also called: EPILEPSY AND YELLOW TEETH; EPILEPSY, DEMENTIA, AND AMELOGENESIS IMPERFECTA; KOHLSCHUTTER SYNDROME; Kohlschutter's syndrome. Identifiers: Orphanet 1946, MedGen C0406740, MONDO:0009185, OMIM 226750.

Allele frequency attached by ClinVar (database versions not stated): TOPMed 0.00001.

Submission:

Labcorp Genetics (formerly Invitae), Labcorp
Classification: Uncertain significance for Amelocerebrohypohidrotic syndrome. Last evaluated: 2025-05-12. Review status: criteria provided, single submitter. Criteria: Invitae Variant Classification Sherloc (09022015). Collection method: clinical testing. Allele origin: germline.
Comment: This sequence change replaces serine, which is neutral and polar, with phenylalanine, which is neutral and non-polar, at codon 279 of the ROGDI protein (p.Ser279Phe). This variant is not present in population databases (gnomAD no frequency). This variant has not been reported in the literature in individuals affected with ROGDI-related conditions. ClinVar contains an entry for this variant (Variation ID: 1042270). An algorithm developed to predict the effect of missense changes on protein structure and function (PolyPhen-2) suggests that this variant is likely to be disruptive. In summary, the available evidence is currently insufficient to determine the role of this variant in disease. Therefore, it has been classified as a Variant of Uncertain Significance.

NM_024589.3(ROGDI):c.836C>T (p.Ser279Phe)

Gene: ROGDI (rogdi atypical leucine zipper; minus strand). Cytogenetic location: 16p13.3.
Variant type: single nucleotide variant.
Coding change: c.836C>T on transcript NM_024589.3 (MANE Select); coding-DNA position 836, C replaced by T.
Protein change: p.Ser279Phe; replaces serine 279 with phenylalanine.
Molecular consequence: missense variant. On other transcripts: non-coding transcript variant (1).
Genome position (GRCh38, 1-based): chr16:4,797,488, G>A on the plus strand (C>T on the coding strand, the complement: ROGDI is on the minus strand). VCF-style: chr16-4797488-G-A. GRCh37 (hg19) VCF-style: chr16-4847489-G-A.
Other names: short protein forms S279F.
Identifiers: ClinVar variation 1042270 (VCV001042270.8), dbSNP rs765616394, ClinGen allele CA394647424.